The following is an entry in ClinVar:

NM_201384.3(PLEC):c.6727C>A (p.Leu2243Ile)

Gene: PLEC (plectin; minus strand). Cytogenetic location: 8q24.3.
Variant type: single nucleotide variant.
Coding change: c.6727C>A on transcript NM_201384.3 (MANE Select); coding-DNA position 6727, C replaced by A.
Protein change: p.Leu2243Ile; replaces leucine 2243 with isoleucine.
Molecular consequence: missense variant.
Genome position (GRCh38, 1-based): chr8:143,923,202, G>T on the plus strand (C>A on the coding strand, the complement: PLEC is on the minus strand). VCF-style: chr8-143923202-G-T. GRCh37 (hg19) VCF-style: chr8-144997370-G-T.
Other names: c.6808C>A (NM_000445.3); c.6808C>A, p.Leu2270Ile (NM_000445.5); c.6685C>A, p.Leu2229Ile (NM_201378.4); c.6661C>A, p.Leu2221Ile (NM_201379.3); c.7138C>A, p.Leu2380Ile (NM_201380.4); c.6631C>A, p.Leu2211Ile (NM_201381.3); c.6727C>A, p.Leu2243Ile (NM_201382.4); c.6739C>A, p.Leu2247Ile (NM_201383.3); short protein forms L2211I, L2221I, L2229I, L2243I, L2247I, L2270I, L2380I.
Identifiers: ClinVar variation 501639 (VCV000501639.17), dbSNP rs372627763, ClinGen allele CA4925883.
Genomic context (GRCh38, chr8:143,923,202, plus strand): 5'-GCGTATTGTCCTTGTCACGCAAGATGAGTGCGCGGTTCTCAGCCTCGATGCGTGCCTTGA[G>T]CTTGCTCAGCTCCTCCATCTGCACGCGCACCGAGAAGAGCTCCTCCTCCACCTGGCTGCG-3'
Protein context (NP_958786.1, residues 2233-2253): VRVQMEELSK[Leu2243Ile]KARIEAENRA

ClinVar aggregate classification (germline): Uncertain significance. Review status: criteria provided, multiple submitters, no conflicts (2 of 4 stars). 5 submissions from 5 submitters: Uncertain significance (5). Last evaluated 2025-11-06.

Conditions:
Epidermolysis bullosa simplex 5B, with muscular dystrophy (EBS5B). Also called: EPIDERMOLYSIS BULLOSA SIMPLEX AND LIMB-GIRDLE MUSCULAR DYSTROPHY; Epidermolysis bullosa simplex with muscular dystrophy. Identifiers: Orphanet 257, MedGen C2931072, MONDO:0009181, OMIM 226670.
Autosomal recessive limb-girdle muscular dystrophy type 2Q (LGMDR17). Also called: MUSCULAR DYSTROPHY, LIMB-GIRDLE, AUTOSOMAL RECESSIVE 17. Identifiers: Orphanet 254361, MedGen C3150989, MONDO:0013390, OMIM 613723.
Epidermolysis bullosa simplex, Ogna type (EBS5A). Also called: Pidermolysis bullosa simplex 5A, Ogna type; EPIDERMOLYSIS BULLOSA SIMPLEX 5A, OGNA TYPE. Identifiers: Orphanet 79401, MedGen C0432317, MONDO:0007555, OMIM 131950.
Epidermolysis bullosa simplex with nail dystrophy (EBS5D). Identifiers: MedGen C4225309, MONDO:0014661, OMIM 616487.
Epidermolysis bullosa simplex 5C, with pyloric atresia (EBS5C). Also called: PLEC-Related Epidermolysis Bullosa with Pyloric Atresia; Epidermolysis bullosa simplex with pyloric atresia; PLEC1-Related Epidermolysis Bullosa with Pyloric Atresia. Identifiers: Orphanet 158684, MedGen C2677349, MONDO:0012807, OMIM 612138.
Inborn genetic diseases. Identifiers: MedGen C0950123, MeSH D030342.

Allele frequency attached by ClinVar (database versions not stated): gnomAD 0.00010 and 0.00011; gnomAD exomes 0.00012 and 0.00021; ExAC 0.00013; ESP Exome Variant Server 0.00015.
gnomAD v4.1: 302 of 1,602,654 alleles (0.019%); highest among the groups gnomAD compares: Non-Finnish European, 0.025%; no homozygotes.

Submissions (5):

Ambry Genetics
Classification: Uncertain significance for Inborn genetic diseases. Last evaluated: 2025-11-06. Review status: criteria provided, single submitter. Criteria: Ambry Variant Classification Scheme 2023. Collection method: clinical testing. Allele origin: germline.

Labcorp Genetics (formerly Invitae), Labcorp
Classification: Uncertain significance for Autosomal recessive limb-girdle muscular dystrophy type 2Q; Epidermolysis bullosa simplex, Ogna type; Epidermolysis bullosa simplex with nail dystrophy; Epidermolysis bullosa simplex 5C, with pyloric atresia; Epidermolysis bullosa simplex 5B, with muscular dystrophy. Last evaluated: 2025-10-02. Review status: criteria provided, single submitter. Criteria: Invitae Variant Classification Sherloc (09022015). Collection method: clinical testing. Allele origin: germline.
Comment: This sequence change replaces leucine, which is neutral and non-polar, with isoleucine, which is neutral and non-polar, at codon 2270 of the PLEC protein (p.Leu2270Ile). This variant is present in population databases (rs372627763, gnomAD 0.02%). This variant has not been reported in the literature in individuals affected with PLEC-related conditions. ClinVar contains an entry for this variant (Variation ID: 501639). An algorithm developed to predict the effect of missense changes on protein structure and function (PolyPhen-2) suggests that this variant is likely to be disruptive. In summary, the available evidence is currently insufficient to determine the role of this variant in disease. Therefore, it has been classified as a Variant of Uncertain Significance.

Blueprint Genetics
Classification: Uncertain significance. Last evaluated: 2024-02-09. Review status: criteria provided, single submitter. Criteria: ACMG Guidelines, 2015. Collection method: clinical testing. Allele origin: germline.

Revvity Omics, Revvity
Classification: Uncertain significance. Last evaluated: 2023-04-25. Review status: criteria provided, single submitter. Criteria: ACMG Guidelines, 2015. Collection method: clinical testing. Allele origin: germline.

Eurofins Ntd Llc (ga)
Classification: Uncertain significance. Last evaluated: 2017-04-27. Review status: criteria provided, single submitter. Criteria: EGL Classification Definitions 2015. Collection method: clinical testing. Allele origin: germline. Observed: 1 variant allele, 1 heterozygote.